The following is an entry in ClinVar:

ClinVar aggregate classification (germline): Pathogenic. Review status: criteria provided, multiple submitters, no conflicts (2 of 4 stars). 3 submissions from 3 submitters: Pathogenic (3). Last evaluated 2025-08-06.

Conditions:
Hereditary cancer-predisposing syndrome. Also called: Neoplastic Syndromes, Hereditary; Hereditary Cancer Syndrome; Tumor predisposition; Hereditary neoplastic syndrome. Identifiers: Orphanet 140162, MedGen C0027672, MeSH D009386, MONDO:0015356.
Ataxia-telangiectasia syndrome (AT). Also called: LOUIS-BAR SYNDROME; Cerebello-oculocutaneous telangiectasia; Immunodeficiency with ataxia telangiectasia; Ataxia-telangiectasia, complementation group D; AT, COMPLEMENTATION GROUP C; Ataxia-telangiectasia, complementation group E. Identifiers: Orphanet 100, MedGen C0004135, MONDO:0008840, OMIM 208900.

Allele frequency attached by ClinVar (database versions not stated): gnomAD exomes below 0.00001.
gnomAD v4.1: 4 of 1,614,152 alleles (0.00025%); highest among the groups gnomAD compares: Non-Finnish European, 0.00034%; no homozygotes.

Submissions (3):

GeneDx
Classification: Pathogenic. Last evaluated: 2025-08-06. Review status: criteria provided, single submitter. Criteria: GeneDx Variant Classification Process June 2021. Collection method: clinical testing. Allele origin: germline. Affected: yes.
Comment: Nonsense variant predicted to result in protein truncation or nonsense mediated decay in a gene for which loss of function is a known mechanism of disease; Truncating variants in this gene are considered pathogenic by a well-established clinical consortium and/or database; Not observed at significant frequency in large population cohorts (gnomAD); This variant is associated with the following publications: (PMID: 30322717, 25614872, 23807571, 30549301)

Labcorp Genetics (formerly Invitae), Labcorp
Classification: Pathogenic for Ataxia-telangiectasia syndrome. Last evaluated: 2024-08-27. Review status: criteria provided, single submitter. Criteria: Invitae Variant Classification Sherloc (09022015). Collection method: clinical testing. Allele origin: germline.
Comment: This sequence change creates a premature translational stop signal (p.Glu2164*) in the ATM gene. It is expected to result in an absent or disrupted protein product. Loss-of-function variants in ATM are known to be pathogenic (PMID: 23807571, 25614872). This variant is not present in population databases (gnomAD no frequency). This premature translational stop signal has been observed in individual(s) with ovarian cancer and variant ataxia telangiectasia (PMID: 30322717, 30549301). ClinVar contains an entry for this variant (Variation ID: 450602). For these reasons, this variant has been classified as Pathogenic.

Ambry Genetics
Classification: Pathogenic for Hereditary cancer-predisposing syndrome. Last evaluated: 2023-06-20. Review status: criteria provided, single submitter. Criteria: Ambry Variant Classification Scheme 2023. Collection method: clinical testing. Allele origin: germline.
Comment: The p.E2164* pathogenic mutation (also known as c.6490G>T), located in coding exon 44 of the ATM gene, results from a G to T substitution at nucleotide position 6490. This changes the amino acid from a glutamic acid to a stop codon within coding exon 44. This alteration is expected to result in loss of function by premature protein truncation or nonsense-mediated mRNA decay. As such, this alteration is interpreted as a disease-causing mutation.

Literature cited by the submitters: PubMed 23807571 (cited by Labcorp Genetics (formerly Invitae), Labcorp); PubMed 25614872 (cited by Labcorp Genetics (formerly Invitae), Labcorp); PubMed 30322717 (cited by Labcorp Genetics (formerly Invitae), Labcorp); PubMed 30549301 (cited by Labcorp Genetics (formerly Invitae), Labcorp).

NM_000051.4(ATM):c.6490G>T (p.Glu2164Ter)

Genes: ATM (ATM serine/threonine kinase; plus strand), C11orf65 (chromosome 11 open reading frame 65; minus strand). Cytogenetic location: 11q22.3.
Variant type: single nucleotide variant.
Coding change: c.6490G>T on transcript NM_000051.4 (MANE Select); coding-DNA position 6490, G replaced by T.
Protein change: p.Glu2164Ter; replaces glutamic acid 2164 with a stop codon.
Molecular consequence: nonsense. On other transcripts: intron variant (2).
Genome position (GRCh38, 1-based): chr11:108,321,338, G>T. VCF-style: chr11-108321338-G-T. GRCh37 (hg19) VCF-style: chr11-108192065-G-T.
Other names: c.6490G>T, p.Glu2164Ter (NM_001351834.2); c.641-12267C>A (NM_001330368.2); c.*39-12267C>A (NM_001351110.2); short protein forms E2164*.
Identifiers: ClinVar variation 450602 (VCV000450602.12), dbSNP rs1317619286, ClinGen allele CA382554013.